The following is an entry in ClinVar:

NM_198334.3(GANAB):c.516C>A (p.Ala172=)

Gene: GANAB (glucosidase II alpha subunit; minus strand). Cytogenetic location: 11q12.3.
Variant type: single nucleotide variant.
Coding change: c.516C>A on transcript NM_198334.3 (MANE Select); coding-DNA position 516, C replaced by A.
Protein change: p.Ala172=; no amino-acid change (alanine 172 retained).
Molecular consequence: synonymous variant. On other transcripts: 5 prime UTR variant (2).
Genome position (GRCh38, 1-based): chr11:62,634,865, G>T on the plus strand (C>A on the coding strand, the complement: GANAB is on the minus strand). VCF-style: chr11-62634865-G-T. GRCh37 (hg19) VCF-style: chr11-62402337-G-T.
Other names: c.174C>A, p.Ala58= (NM_001278192.2, NM_001278193.2); c.225C>A, p.Ala75= (NM_001278194.2, NM_001329222.2, NM_001329223.2); c.-261C>A (NM_001329224.2, NM_001329225.2); c.516C>A, p.Ala172= (NM_198335.4).
Identifiers: ClinVar variation 4999694 (VCV004999694.1).
Genomic context (GRCh38, chr11:62,634,865, plus strand): 5'-CAACCCCTGTACTCACGAGACCCTAGGGGCCCTCTGATGCTCAAACTCCAAGAGTCCTCG[G>T]GCATTGACACTAAGCAAAAGACTTCGGTCCTCTAGTAGGTCAAGGCGGAATGGCCGTGCT-3'
Protein context (NP_938148.1, residues 162-182): EDRSLLLSVN[Ala172=]RGLLEFEHQR

ClinVar aggregate classification (germline): Likely benign (1 of 4 stars; one submission).

Conditions:
GANAB-related disorder. Also called: GANAB-related condition.

gnomAD v4.1: 1 of 1,614,060 alleles (0.000062%); highest among the groups gnomAD compares: Non-Finnish European, 0.000085%; no homozygotes.

Submission:

PreventionGenetics, part of Exact Sciences
Classification: Likely benign for GANAB-related condition. Last evaluated: 2024-12-04. Review status: criteria provided, single submitter. Criteria: ACMG Guidelines, 2015. Collection method: clinical testing. Allele origin: germline.
Comment: This variant is classified as likely benign based on ACMG/AMP sequence variant interpretation guidelines (Richards et al. 2015 PMID: 25741868, with internal and published modifications).